The following is an entry in ClinVar:

ClinVar aggregate classification (germline): Uncertain significance (1 of 4 stars; one submission).

Conditions:
Brachyolmia-amelogenesis imperfecta syndrome. Also called: Tooth agenesis, selective, 6; Dental anomalies and short stature; PLATYSPONDYLY WITH AMELOGENESIS IMPERFECTA. Identifiers: Orphanet 2899, MedGen C1832594, MONDO:0011018, OMIM 601216. Disease mechanism: loss of function.

Allele frequency attached by ClinVar (database versions not stated): gnomAD exomes 0.00001.
gnomAD v4.1: 11 of 1,550,000 alleles (0.00071%); highest among the groups gnomAD compares: Non-Finnish European, 0.00096%; no homozygotes.

Submission:

Labcorp Genetics (formerly Invitae), Labcorp
Classification: Uncertain significance for Brachyolmia-amelogenesis imperfecta syndrome. Last evaluated: 2025-10-16. Review status: criteria provided, single submitter. Criteria: Invitae Variant Classification Sherloc (09022015). Collection method: clinical testing. Allele origin: germline.
Comment: This sequence change affects codon 1082 of the LTBP3 mRNA. It is a 'silent' change, meaning that it does not change the encoded amino acid sequence of the LTBP3 protein. This variant also falls at the last nucleotide of exon 23, which is part of the consensus splice site for this exon. This variant is present in population databases (no rsID available, gnomAD 0.002%). This variant has not been reported in the literature in individuals affected with LTBP3-related conditions. ClinVar contains an entry for this variant (Variation ID: 1384220). An algorithm developed to predict the effect of missense changes on protein structure and function (PolyPhen-2) suggests that this variant is likely to be disruptive. Variants that disrupt the consensus splice site are a relatively common cause of aberrant splicing (PMID: 17576681, 9536098). In summary, the available evidence is currently insufficient to determine the role of this variant in disease. Therefore, it has been classified as a Variant of Uncertain Significance.

Literature cited by the submitters: PubMed 17576681; PubMed 9536098.

NM_001130144.3(LTBP3):c.3244G>A (p.Asp1082Asn)

Genes: LTBP3 (latent transforming growth factor beta binding protein 3; minus strand), LOC121832793 (Sharpr-MPRA regulatory region 4001; plus strand). Cytogenetic location: 11q13.1.
Variant type: single nucleotide variant.
Coding change: c.3244G>A on transcript NM_001130144.3 (MANE Select); coding-DNA position 3244, G replaced by A.
Protein change: p.Asp1082Asn; replaces aspartic acid 1082 with asparagine.
Molecular consequence: missense variant.
Genome position (GRCh38, 1-based): chr11:65,540,245, C>T on the plus strand (G>A on the coding strand, the complement: LTBP3 is on the minus strand). VCF-style: chr11-65540245-C-T. GRCh37 (hg19) VCF-style: chr11-65307716-C-T.
Other names: c.2893G>A, p.Glu965Lys (NM_001164266.1); c.3244G>A, p.Glu1082Lys (NM_021070.4); short protein forms D1082N, E1082K, E965K.
Identifiers: ClinVar variation 1384220 (VCV001384220.6), dbSNP rs1165193375, ClinGen allele CA381267326.